The following is an entry in ClinVar:

NM_001378454.1(ALMS1):c.9411T>C (p.Thr3137=)

Gene: ALMS1 (ALMS1 centrosome and basal body associated protein; plus strand). Cytogenetic location: 2p13.1.
Variant type: single nucleotide variant.
Coding change: c.9411T>C on transcript NM_001378454.1 (MANE Select); coding-DNA position 9411, T replaced by C.
Protein change: p.Thr3137=; no amino-acid change (threonine 3137 retained).
Molecular consequence: synonymous variant.
Genome position (GRCh38, 1-based): chr2:73,491,370, T>C. VCF-style: chr2-73491370-T-C. GRCh37 (hg19) VCF-style: chr2-73718497-T-C.
Other names: c.9414T>C, p.Thr3138= (NM_015120.4).
Identifiers: ClinVar variation 1621199 (VCV001621199.9), dbSNP rs985056937, ClinGen allele CA426766390.

ClinVar aggregate classification (germline): Likely benign. Review status: criteria provided, single submitter (1 of 4 stars). 2 submissions from 2 submitters: Likely benign (1). 1 of the submissions does not count toward it. Last evaluated 2022-12-06.

Conditions:
Alstrom syndrome (ALMS). Identifiers: Orphanet 64, MedGen C0268425, MONDO:0008763, OMIM 203800.
ALMS1-related disorder. Also called: ALMS1-related condition.

Allele frequency attached by ClinVar (database versions not stated): gnomAD exomes below 0.00001.
gnomAD v4.1: 2 of 1,614,142 alleles (0.00012%); highest among the groups gnomAD compares: South Asian, 0.0011%; no homozygotes.

Submissions (2):

Labcorp Genetics (formerly Invitae), Labcorp
Classification: Likely benign for Alstrom syndrome. Last evaluated: 2022-12-06. Review status: criteria provided, single submitter. Criteria: Invitae Variant Classification Sherloc (09022015). Collection method: clinical testing. Allele origin: germline.

PreventionGenetics, part of Exact Sciences
Classification: Likely benign for ALMS1-related condition. Last evaluated: 2024-02-21. Review status: no assertion criteria provided. Collection method: clinical testing. Allele origin: germline. Not counted in ClinVar's aggregate classification.
Comment: This variant is classified as likely benign based on ACMG/AMP sequence variant interpretation guidelines (Richards et al. 2015 PMID: 25741868, with internal and published modifications).